The following is an entry in ClinVar:

NM_001130009.3(GEN1):c.1732T>G (p.Ser578Ala)

Gene: GEN1 (GEN1 structure-specific endonuclease; plus strand). Cytogenetic location: 2p24.2.
Variant type: single nucleotide variant.
Coding change: c.1732T>G on transcript NM_001130009.3 (MANE Select); coding-DNA position 1732, T replaced by G.
Protein change: p.Ser578Ala; replaces serine 578 with alanine.
Molecular consequence: missense variant.
Genome position (GRCh38, 1-based): chr2:17,780,944, T>G. VCF-style: chr2-17780944-T-G. GRCh37 (hg19) VCF-style: chr2-17962211-T-G.
Other names: c.1732T>G, p.Ser578Ala (NM_182625.5); short protein forms S578A.
Identifiers: ClinVar variation 4671441 (VCV004671441.1).
Genomic context (GRCh38, chr2:17,780,944, plus strand): 5'-GCTGTCAGTAAGTCTCTAATTTCAGAATCTAGTCAACCCAATACCTCATCTCATAATATA[T>G]CCGTGATTGCTGATCTACACTTGAGCACTATTGACTGGGAAGGTACTTCTTTTAGTAATT-3'
Protein context (NP_001123481.3, residues 568-588): SQPNTSSHNI[Ser578Ala]VIADLHLSTI

ClinVar aggregate classification (germline): Uncertain significance (1 of 4 stars; one submission).

Submission:

Ambry Genetics
Classification: Uncertain significance. Last evaluated: 2025-09-20. Review status: criteria provided, single submitter. Criteria: Ambry Variant Classification Scheme 2023. Collection method: clinical testing. Allele origin: germline.
Comment: The p.S578A variant (also known as c.1732T>G), located in coding exon 13 of the GEN1 gene, results from a T to G substitution at nucleotide position 1732. The serine at codon 578 is replaced by alanine, an amino acid with similar properties. This amino acid position is conserved. In addition, this alteration is predicted to be tolerated by in silico analysis. Based on the available evidence, the clinical significance of this variant remains unclear.